The following is an entry in ClinVar:

ClinVar aggregate classification (germline): Uncertain significance (1 of 4 stars; one submission).

Submission:

Labcorp Genetics (formerly Invitae), Labcorp
Classification: Uncertain significance. Last evaluated: 2024-02-26. Review status: criteria provided, single submitter. Criteria: Invitae Variant Classification Sherloc (09022015). Collection method: clinical testing. Allele origin: germline.
Comment: This sequence change replaces aspartic acid, which is acidic and polar, with glutamic acid, which is acidic and polar, at codon 352 of the RELB protein (p.Asp352Glu). This variant is not present in population databases (gnomAD no frequency). This variant has not been reported in the literature in individuals affected with RELB-related conditions. An algorithm developed to predict the effect of missense changes on protein structure and function (PolyPhen-2) suggests that this variant is likely to be disruptive. In summary, the available evidence is currently insufficient to determine the role of this variant in disease. Therefore, it has been classified as a Variant of Uncertain Significance.

NM_006509.4(RELB):c.1056C>G (p.Asp352Glu)

Gene: RELB (RELB proto-oncogene, NF-kB subunit; plus strand). Cytogenetic location: 19q13.32.
Variant type: single nucleotide variant.
Coding change: c.1056C>G on transcript NM_006509.4 (MANE Select); coding-DNA position 1056, C replaced by G.
Protein change: p.Asp352Glu; replaces aspartic acid 352 with glutamic acid.
Molecular consequence: missense variant.
Genome position (GRCh38, 1-based): chr19:45,032,598, C>G. VCF-style: chr19-45032598-C-G. GRCh37 (hg19) VCF-style: chr19-45535856-C-G.
Other names: c.1047C>G, p.Asp349Glu (NM_001411087.1); short protein forms D352E, D349E.
Identifiers: ClinVar variation 3642307 (VCV003642307.2).